The following is an entry in ClinVar:

ClinVar aggregate classification (germline): Likely benign (1 of 4 stars; one submission).

Allele frequency attached by ClinVar (database versions not stated): 1000 Genomes Project 0.00300; 1000 Genomes Project 30x 0.00484; ExAC 0.00638; gnomAD 0.00830; gnomAD exomes 0.01142.
gnomAD v4.1: 14,500 of 1,300,338 alleles (1.1%); highest among the groups gnomAD compares: Middle Eastern, 3.2%; 1,616 homozygotes.

Submission:

CeGaT Center for Human Genetics Tuebingen
Classification: Likely benign. Last evaluated: 2023-12-01. Review status: criteria provided, single submitter. Criteria: CeGaT Center For Human Genetics Tuebingen Variant Classification Criteria Version 2. Collection method: clinical testing. Allele origin: germline. Affected: yes. Observed: 6 variant alleles.
Comment: NBPF10: BP4, BS2

NM_001302371.3(NBPF10):c.373G>C (p.Glu125Gln)

Gene: NBPF10 (NBPF member 10; minus strand). Cytogenetic location: 1q21.1.
Variant type: single nucleotide variant.
Coding change: c.373G>C on transcript NM_001302371.3 (MANE Select); coding-DNA position 373, G replaced by C.
Protein change: p.Glu125Gln; replaces glutamic acid 125 with glutamine.
Molecular consequence: missense variant.
Genome position (GRCh38, 1-based): chr1:146,141,724, C>G on the plus strand (G>C on the coding strand, the complement: NBPF10 is on the minus strand). VCF-style: chr1-146141724-C-G. GRCh37 (hg19) VCF-style: chr1-145296451-G-C.
Other names: c.373G>C, p.Glu125Gln (NM_001039703.6); short protein forms E125Q.
Identifiers: ClinVar variation 2639082 (VCV002639082.24), dbSNP rs140256918, ClinGen allele CA1050935.